The following is an entry in ClinVar:

NM_000059.4(BRCA2):c.7748A>T (p.Asp2583Val)

Gene: BRCA2 (BRCA2 DNA repair associated; plus strand). Cytogenetic location: 13q13.1.
Variant type: single nucleotide variant.
Coding change: c.7748A>T on transcript NM_000059.4 (MANE Select); coding-DNA position 7748, A replaced by T.
Protein change: p.Asp2583Val; replaces aspartic acid 2583 with valine.
Molecular consequence: missense variant.
Genome position (GRCh38, 1-based): chr13:32,357,872, A>T. VCF-style: chr13-32357872-A-T. GRCh37 (hg19) VCF-style: chr13-32932009-A-T.
Other names: short protein forms D2583V.
Identifiers: ClinVar variation 1023923 (VCV001023923.8), dbSNP rs2072710361, ClinGen allele CA387745727.

ClinVar aggregate classification (germline): Uncertain significance (1 of 4 stars; one submission).

Conditions:
Hereditary breast ovarian cancer syndrome. Also called: Breast and ovarian cancer; Hereditary breast and ovarian cancer syndrome (HBOC); Hereditary breast and ovarian cancer; Hereditary breast and/or ovarian cancer syndrome; BRCA1- and BRCA2-Associated Hereditary Breast and Ovarian Cancer; Hereditary breast and ovarian cancer syndrome. Identifiers: Orphanet 145, MedGen C0677776, MeSH D061325, MONDO:0003582. Disease mechanism: loss of function.

Submission:

Labcorp Genetics (formerly Invitae), Labcorp
Classification: Uncertain significance for Hereditary breast ovarian cancer syndrome. Last evaluated: 2020-06-09. Review status: criteria provided, single submitter. Criteria: Invitae Variant Classification Sherloc (09022015). Collection method: clinical testing. Allele origin: germline.
Comment: This sequence change replaces aspartic acid with valine at codon 2583 of the BRCA2 protein (p.Asp2583Val). The aspartic acid residue is highly conserved and there is a large physicochemical difference between aspartic acid and valine. This variant is not present in population databases (ExAC no frequency). In summary, the available evidence is currently insufficient to determine the role of this variant in disease. Therefore, it has been classified as a Variant of Uncertain Significance. Algorithms developed to predict the effect of missense changes on protein structure and function (SIFT, PolyPhen-2, Align-GVGD) all suggest that this variant is likely to be disruptive, but these predictions have not been confirmed by published functional studies and their clinical significance is uncertain. This variant has not been reported in the literature in individuals with BRCA2-related conditions.